The following is an entry in ClinVar:

NM_001692.4(ATP6V1B1):c.436_437insGATCAAGG (p.Asp146fs)

Gene: ATP6V1B1 (ATPase H+ transporting V1 subunit B1; plus strand). Cytogenetic location: 2p13.3.
Variant type: Insertion.
Coding change: c.436_437insGATCAAGG on transcript NM_001692.4 (MANE Select); coding-DNA positions 436 to 437, GATCAAGG inserted.
Protein change: p.Asp146fs; shifts the reading frame from aspartic acid 146.
Molecular consequence: frameshift variant.
Genome position: GRCh38 VCF-style: chr2-70959084-T-TGGGATCAA. GRCh37 (hg19) VCF-style: chr2-71186214-T-TGGGATCAA.
Other names: short protein forms D146fs.
Identifiers: ClinVar variation 5010494 (VCV005010494.1).

ClinVar aggregate classification (germline): Pathogenic (1 of 4 stars; one submission).

Conditions:
Renal tubular acidosis with progressive nerve deafness. Also called: RENAL TUBULAR ACIDOSIS, AUTOSOMAL RECESSIVE, WITH PROGRESSIVE NERVE DEAFNESS; RTA WITH PROGRESSIVE NERVE DEAFNESS; Distal Renal Tubular Acidosis with Progressive Sensorineural Deafness; renal tubular acidosis, distal, 2, with progressive sensorineural hearing loss. Identifiers: MedGen C0403554, MONDO:0009968, OMIM 267300.

Submission:

Myriad Genetics, Inc.
Classification: Pathogenic for Renal tubular acidosis with progressive nerve deafness. Last evaluated: 2024-05-14. Review status: criteria provided, single submitter. Criteria: Myriad Autosomal Dominant, Autosomal Recessive and X-Linked Classification Criteria (2023). Collection method: clinical testing. Allele origin: unknown.
Comment: NM_001692.3(ATP6V1B1):c.436_437ins8(D146Gfs*21) is expected to be pathogenic in the context of distal renal tubular acidosis with deafness, ATP6V1B1-related. This variant is predicted to lead to an abnormal or absent protein product due to the creation of a premature termination codon in ATP6V1B1, a gene where loss-of-function variants are known to be pathogenic. Please note: this variant was assessed in the context of healthy population screening.